The following is an entry in ClinVar:

NM_017617.5(NOTCH1):c.6738C>G (p.His2246Gln)

Gene: NOTCH1 (notch receptor 1; minus strand). Cytogenetic location: 9q34.3.
Variant type: single nucleotide variant.
Coding change: c.6738C>G on transcript NM_017617.5 (MANE Select); coding-DNA position 6738, C replaced by G.
Protein change: p.His2246Gln; replaces histidine 2246 with glutamine.
Molecular consequence: missense variant.
Genome position (GRCh38, 1-based): chr9:136,497,001, G>C on the plus strand (C>G on the coding strand, the complement: NOTCH1 is on the minus strand). VCF-style: chr9-136497001-G-C. GRCh37 (hg19) VCF-style: chr9-139391453-G-C.
Other names: short protein forms H2246Q.
Identifiers: ClinVar variation 915715 (VCV000915715.5), dbSNP rs1842927243, ClinGen allele CA375630443.

ClinVar aggregate classification (germline): Uncertain significance. Review status: criteria provided, multiple submitters, no conflicts (2 of 4 stars). 2 submissions from 2 submitters: Uncertain significance (2). Last evaluated 2022-12-22.

Conditions:
Adams-Oliver syndrome 5 (AOS5). Identifiers: Orphanet 974, MedGen C4014970, MONDO:0014459, OMIM 616028.
Familial thoracic aortic aneurysm and aortic dissection (TAAD). Also called: Thoracic aortic aneurysms and dissections. Identifiers: Orphanet 91387, MedGen C4707243, MONDO:0019625.

Allele frequency attached by ClinVar (database versions not stated): gnomAD exomes below 0.00001.
gnomAD v4.1: 1 of 1,610,254 alleles (0.000062%); highest among the groups gnomAD compares: Non-Finnish European, 0.000085%; no homozygotes.

Submissions (2):

Labcorp Genetics (formerly Invitae), Labcorp
Classification: Uncertain significance for Adams-Oliver syndrome 5. Last evaluated: 2022-12-22. Review status: criteria provided, single submitter. Criteria: Invitae Variant Classification Sherloc (09022015). Collection method: clinical testing. Allele origin: germline.
Comment: In summary, the available evidence is currently insufficient to determine the role of this variant in disease. Therefore, it has been classified as a Variant of Uncertain Significance. Advanced modeling of protein sequence and biophysical properties (such as structural, functional, and spatial information, amino acid conservation, physicochemical variation, residue mobility, and thermodynamic stability) performed at Invitae indicates that this missense variant is not expected to disrupt NOTCH1 protein function. ClinVar contains an entry for this variant (Variation ID: 915715). This variant has not been reported in the literature in individuals affected with NOTCH1-related conditions. This variant is not present in population databases (gnomAD no frequency). This sequence change replaces histidine, which is basic and polar, with glutamine, which is neutral and polar, at codon 2246 of the NOTCH1 protein (p.His2246Gln).

CHEO Genetics Diagnostic Laboratory, Children's Hospital of Eastern Ontario
Classification: Uncertain significance for Familial thoracic aortic aneurysm and aortic dissection. Last evaluated: 2019-01-11. Review status: criteria provided, single submitter. Criteria: ACMG Guidelines, 2015. Collection method: clinical testing. Allele origin: germline.